The following is an entry in ClinVar:

NM_001184.4(ATR):c.2218C>G (p.Leu740Val)

Gene: ATR (ATR serine/threonine kinase; minus strand). Cytogenetic location: 3q23.
Variant type: single nucleotide variant.
Coding change: c.2218C>G on transcript NM_001184.4 (MANE Select); coding-DNA position 2218, C replaced by G.
Protein change: p.Leu740Val; replaces leucine 740 with valine.
Molecular consequence: missense variant.
Genome position (GRCh38, 1-based): chr3:142,556,000, G>C on the plus strand (C>G on the coding strand, the complement: ATR is on the minus strand). VCF-style: chr3-142556000-G-C. GRCh37 (hg19) VCF-style: chr3-142274842-G-C.
Other names: c.2026C>G, p.Leu676Val (NM_001354579.2); short protein forms L676V, L740V.
Identifiers: ClinVar variation 3463019 (VCV003463019.1).

ClinVar aggregate classification (germline): Uncertain significance (1 of 4 stars; one submission).

Conditions:
Inborn genetic diseases. Identifiers: MedGen C0950123, MeSH D030342.

gnomAD v4.1: 1 of 1,613,954 alleles (0.000062%); highest among the groups gnomAD compares: Non-Finnish European, 0.000085%; no homozygotes.

Submission:

Ambry Genetics
Classification: Uncertain significance for Inborn genetic diseases. Last evaluated: 2024-10-11. Review status: criteria provided, single submitter. Criteria: Ambry Variant Classification Scheme 2023. Collection method: clinical testing. Allele origin: germline.
Comment: The p.L740V variant (also known as c.2218C>G), located in coding exon 10 of the ATR gene, results from a C to G substitution at nucleotide position 2218. The leucine at codon 740 is replaced by valine, an amino acid with highly similar properties. This amino acid position is conserved. In addition, this alteration is predicted to be tolerated by in silico analysis. Based on the available evidence, the clinical significance of this variant remains unclear.